The following is an entry in ClinVar:

NM_001252024.2(TRPM1):c.4286T>C (p.Ile1429Thr)

Gene: TRPM1 (transient receptor potential cation channel subfamily M member 1; minus strand). Cytogenetic location: 15q13.3.
Variant type: single nucleotide variant.
Coding change: c.4286T>C on transcript NM_001252024.2 (MANE Select); coding-DNA position 4286, T replaced by C.
Protein change: p.Ile1429Thr; replaces isoleucine 1429 with threonine.
Molecular consequence: missense variant.
Genome position (GRCh38, 1-based): chr15:31,002,414, A>G on the plus strand (T>C on the coding strand, the complement: TRPM1 is on the minus strand). VCF-style: chr15-31002414-A-G. GRCh37 (hg19) VCF-style: chr15-31294617-A-G.
Other names: c.4337T>C, p.Ile1446Thr (NM_001252020.2); c.4220T>C, p.Ile1407Thr (NM_002420.6); short protein forms I1407T, I1429T, I1446T.
Identifiers: ClinVar variation 315495 (VCV000315495.9), dbSNP rs886051029, ClinGen allele CA10645634.
Genomic context (GRCh38, chr15:31,002,414, plus strand): 5'-TCATCGGGGAAATAGCGTGTAATTTTGGTTTCTTCCAGGGGATAGGAAATAGTGCCTTCT[A>G]TATTTGTCGTTTCCACTGTTAGCTGAGTGTTTTGAACATCTGATTTGTCCTGTCCATGTA-3'
Protein context (NP_001238953.1, residues 1419-1439): NTQLTVETTN[Ile1429Thr]EGTISYPLEE

ClinVar aggregate classification (germline): Uncertain significance. Review status: criteria provided, multiple submitters, no conflicts (2 of 4 stars). 2 submissions from 2 submitters: Uncertain significance (2). Last evaluated 2022-06-14.

Conditions:
Congenital stationary night blindness 1C. Also called: Night blindness, congenital stationary (complete), 1C, autosomal recessive. Identifiers: Orphanet 215, MedGen C2750747, MONDO:0013183, OMIM 613216.

Allele frequency attached by ClinVar (database versions not stated): gnomAD exomes below 0.00001.
gnomAD v4.1: 1 of 1,614,178 alleles (0.000062%); highest among the groups gnomAD compares: South Asian, 0.0011%; no homozygotes.

Submissions (2):

Labcorp Genetics (formerly Invitae), Labcorp
Classification: Uncertain significance. Last evaluated: 2022-06-14. Review status: criteria provided, single submitter. Criteria: Invitae Variant Classification Sherloc (09022015). Collection method: clinical testing. Allele origin: germline.
Comment: This variant is not present in population databases (gnomAD no frequency). In summary, the available evidence is currently insufficient to determine the role of this variant in disease. Therefore, it has been classified as a Variant of Uncertain Significance. Algorithms developed to predict the effect of missense changes on protein structure and function output the following: SIFT: "Deleterious"; PolyPhen-2: "Benign"; Align-GVGD: "Class C0". The threonine amino acid residue is found in multiple mammalian species, which suggests that this missense change does not adversely affect protein function. ClinVar contains an entry for this variant (Variation ID: 315495). This variant has not been reported in the literature in individuals affected with TRPM1-related conditions. This sequence change replaces isoleucine, which is neutral and non-polar, with threonine, which is neutral and polar, at codon 1407 of the TRPM1 protein (p.Ile1407Thr).

Illumina Laboratory Services, Illumina
Classification: Uncertain significance for Congenital stationary night blindness 1C. Last evaluated: 2018-01-13. Review status: criteria provided, single submitter. Criteria: ICSL Variant Classification Criteria 13 December 2019. Collection method: clinical testing. Allele origin: germline.